The following is an entry in ClinVar:

ClinVar aggregate classification (germline): Benign. Review status: criteria provided, multiple submitters, no conflicts (2 of 4 stars). 2 submissions from 2 submitters: Benign (2). Last evaluated 2018-06-16.

Allele frequency attached by ClinVar (database versions not stated): gnomAD exomes 0.00447; gnomAD 0.03248 and 0.03481; 1000 Genomes Project 0.03335; TOPMed 0.03571; 1000 Genomes Project 30x 0.03592.
gnomAD v4.1: 7,416 of 681,628 alleles (1.1%); highest among the groups gnomAD compares: African/African-American, 11%; 343 homozygotes.

Submissions (2):

GeneDx
Classification: Benign. Last evaluated: 2018-06-16. Review status: criteria provided, single submitter. Criteria: GeneDx Variant Classification (06012015). Collection method: clinical testing. Allele origin: germline. Affected: yes.
Comment: This variant is considered likely benign or benign based on one or more of the following criteria: it is a conservative change, it occurs at a poorly conserved position in the protein, it is predicted to be benign by multiple in silico algorithms, and/or has population frequency not consistent with disease.

Breakthrough Genomics
Classification: Benign. Review status: criteria provided, single submitter. Criteria: ACMG Guidelines, 2015. Collection method: not provided. Allele origin: germline. Inheritance: Autosomal recessive inheritance. Affected: yes.

NM_203447.4(DOCK8):c.156+135T>C

Gene: DOCK8 (dedicator of cytokinesis 8; plus strand). Cytogenetic location: 9p24.3.
Variant type: single nucleotide variant.
Coding change: c.156+135T>C on transcript NM_203447.4 (MANE Select); 135 bases into the intron after coding-DNA position 156, T replaced by C.
Molecular consequence: intron variant.
Genome position (GRCh38, 1-based): chr9:271,864, T>C. VCF-style: chr9-271864-T-C. GRCh37 (hg19) VCF-style: chr9-271864-T-C.
Identifiers: ClinVar variation 675943 (VCV000675943.2), dbSNP rs57498434, ClinGen allele CA187758260.
Genomic context (GRCh38, chr9:271,864, plus strand): 5'-TCCTTAGATCTTCCTACCATCACCTCACATTCTCCAGTCACCAGATCCTAACTCTGTGAC[T>C]GTGTCTGGACATCAGACAATATCCCTCTCTCTCTCTGCCAACCGGTACTTAGGGTACATA-3'